The following is an entry in ClinVar:

NM_001365480.1(CCDC88A):c.2521C>A (p.Leu841Ile)

Gene: CCDC88A (coiled-coil and HOOK domain protein 88A; minus strand). Cytogenetic location: 2p16.1.
Variant type: single nucleotide variant.
Coding change: c.2521C>A on transcript NM_001365480.1 (MANE Select); coding-DNA position 2521, C replaced by A.
Protein change: p.Leu841Ile; replaces leucine 841 with isoleucine.
Molecular consequence: missense variant.
Genome position (GRCh38, 1-based): chr2:55,334,300, G>T on the plus strand (C>A on the coding strand, the complement: CCDC88A is on the minus strand). VCF-style: chr2-55334300-G-T. GRCh37 (hg19) VCF-style: chr2-55561436-G-T.
Other names: c.2521C>A, p.Leu841Ile (NM_001135597.2, NM_001254943.2, NM_018084.5); short protein forms L841I.
Identifiers: ClinVar variation 2025411 (VCV002025411.4), dbSNP rs1335866275, ClinGen allele CA346899018.

ClinVar aggregate classification (germline): Uncertain significance (1 of 4 stars; one submission).

Submission:

Labcorp Genetics (formerly Invitae), Labcorp
Classification: Uncertain significance. Last evaluated: 2022-09-01. Review status: criteria provided, single submitter. Criteria: Invitae Variant Classification Sherloc (09022015). Collection method: clinical testing. Allele origin: germline.
Comment: Algorithms developed to predict the effect of missense changes on protein structure and function are either unavailable or do not agree on the potential impact of this missense change (SIFT: "Deleterious"; PolyPhen-2: "Probably Damaging"; Align-GVGD: "Class C0"). This sequence change replaces leucine, which is neutral and non-polar, with isoleucine, which is neutral and non-polar, at codon 841 of the CCDC88A protein (p.Leu841Ile). This variant is not present in population databases (gnomAD no frequency). This variant has not been reported in the literature in individuals affected with CCDC88A-related conditions. In summary, the available evidence is currently insufficient to determine the role of this variant in disease. Therefore, it has been classified as a Variant of Uncertain Significance.